The following is an entry in ClinVar:

ClinVar aggregate classification (germline): Uncertain significance. Review status: criteria provided, multiple submitters, no conflicts (2 of 4 stars). 2 submissions from 2 submitters: Uncertain significance (2). Last evaluated 2025-04-10.

Allele frequency attached by ClinVar (database versions not stated): gnomAD 0.00014 and 0.00012; gnomAD exomes 0.00001; TOPMed 0.00019; ExAC below 0.00001.

Submissions (2):

Ambry Genetics
Classification: Uncertain significance. Last evaluated: 2025-04-10. Review status: criteria provided, single submitter. Criteria: Ambry Variant Classification Scheme 2023. Collection method: clinical testing. Allele origin: germline.

Labcorp Genetics (formerly Invitae), Labcorp
Classification: Uncertain significance. Last evaluated: 2023-11-27. Review status: criteria provided, single submitter. Criteria: Invitae Variant Classification Sherloc (09022015). Collection method: clinical testing. Allele origin: germline.
Comment: This sequence change replaces glycine, which is neutral and non-polar, with serine, which is neutral and polar, at codon 100 of the RGS9BP protein (p.Gly100Ser). This variant is present in population databases (rs764382392, gnomAD 0.02%). This variant has not been reported in the literature in individuals affected with RGS9BP-related conditions. ClinVar contains an entry for this variant (Variation ID: 1008581). Algorithms developed to predict the effect of missense changes on protein structure and function output the following: SIFT: "Not Available"; PolyPhen-2: "Benign"; Align-GVGD: "Not Available". The serine amino acid residue is found in multiple mammalian species, which suggests that this missense change does not adversely affect protein function. In summary, the available evidence is currently insufficient to determine the role of this variant in disease. Therefore, it has been classified as a Variant of Uncertain Significance.

NM_207391.3(RGS9BP):c.298G>A (p.Gly100Ser)

Gene: RGS9BP (regulator of G protein signaling 9 binding protein; plus strand). Cytogenetic location: 19q13.11.
Variant type: single nucleotide variant.
Coding change: c.298G>A on transcript NM_207391.3 (MANE Select); coding-DNA position 298, G replaced by A.
Protein change: p.Gly100Ser; replaces glycine 100 with serine.
Molecular consequence: missense variant.
Genome position (GRCh38, 1-based): chr19:32,676,561, G>A. VCF-style: chr19-32676561-G-A. GRCh37 (hg19) VCF-style: chr19-33167467-G-A.
Other names: c.298G>A (NM_207391.2); short protein forms G100S.
Identifiers: ClinVar variation 1008581 (VCV001008581.7), dbSNP rs764382392, ClinGen allele CA9357528.